The following is an entry in ClinVar:

NM_001354930.2(RIPK1):c.208C>G (p.Leu70Val)

Gene: RIPK1 (receptor interacting serine/threonine kinase 1; plus strand). Cytogenetic location: 6p25.2.
Variant type: single nucleotide variant.
Coding change: c.208C>G on transcript NM_001354930.2 (MANE Select); coding-DNA position 208, C replaced by G.
Protein change: p.Leu70Val; replaces leucine 70 with valine.
Molecular consequence: missense variant. On other transcripts: 5 prime UTR variant (4).
Genome position (GRCh38, 1-based): chr6:3,077,822, C>G. VCF-style: chr6-3077822-C-G. GRCh37 (hg19) VCF-style: chr6-3078056-C-G.
Other names: c.-396C>G (NM_001317061.3, NM_001354932.2, NM_001354933.2 and 1 more transcripts); c.208C>G, p.Leu70Val (NM_001354931.2, NM_003804.6); short protein forms L70V.
Identifiers: ClinVar variation 2705580 (VCV002705580.3), dbSNP rs1439561330, ClinGen allele CA362574415.

ClinVar aggregate classification (germline): Uncertain significance (1 of 4 stars; one submission).

Submission:

Labcorp Genetics (formerly Invitae), Labcorp
Classification: Uncertain significance. Last evaluated: 2023-12-26. Review status: criteria provided, single submitter. Criteria: Invitae Variant Classification Sherloc (09022015). Collection method: clinical testing. Allele origin: germline.
Comment: This sequence change replaces leucine, which is neutral and non-polar, with valine, which is neutral and non-polar, at codon 70 of the RIPK1 protein (p.Leu70Val). This variant is not present in population databases (gnomAD no frequency). This variant has not been reported in the literature in individuals affected with RIPK1-related conditions. An algorithm developed to predict the effect of missense changes on protein structure and function (PolyPhen-2) suggests that this variant is likely to be disruptive. In summary, the available evidence is currently insufficient to determine the role of this variant in disease. Therefore, it has been classified as a Variant of Uncertain Significance.